The following is an entry in ClinVar:

ClinVar aggregate classification (germline): Pathogenic (1 of 4 stars; one submission).

Conditions:
X-linked intellectual disability, Cantagrel type (XLID98). Also called: INTELLECTUAL DEVELOPMENTAL DISORDER, X-LINKED 98. Identifiers: Orphanet 85277, MedGen C3806730, MONDO:0010483, OMIM 300912.

Submission:

Institute of Human Genetics, University of Leipzig Medical Center
Classification: Pathogenic for X-linked intellectual disability, Cantagrel type. Last evaluated: 2021-03-10. Review status: criteria provided, single submitter. Criteria: ACMG Guidelines, 2015. Collection method: clinical testing. Allele origin: de novo. Affected: yes.
Comment: This variant was identified as de novo (maternity and paternity confirmed).

NM_001008537.3(NEXMIF):c.1763G>A (p.Trp588Ter)

Gene: NEXMIF (neurite extension and migration factor; minus strand). Cytogenetic location: Xq13.3.
Variant type: single nucleotide variant.
Coding change: c.1763G>A on transcript NM_001008537.3 (MANE Select); coding-DNA position 1763, G replaced by A.
Protein change: p.Trp588Ter; replaces tryptophan 588 with a stop codon.
Molecular consequence: nonsense.
Genome position (GRCh38, 1-based): chrX:74,742,794, C>T on the plus strand (G>A on the coding strand, the complement: NEXMIF is on the minus strand). VCF-style: chrX-74742794-C-T. GRCh37 (hg19) VCF-style: chrX-73962629-C-T.
Other names: short protein forms W588*.
Identifiers: ClinVar variation 1285547 (VCV001285547.1), dbSNP rs2147440717, ClinGen allele CA413669753.